The following is an entry in ClinVar:

ClinVar aggregate classification (germline): Uncertain significance (1 of 4 stars; one submission).

Conditions:
Hypertrophic cardiomyopathy. Also called: HYPERTROPHIC MYOCARDIOPATHY. Identifiers: Orphanet 217569, MedGen C0007194, MeSH D002312, MONDO:0005045, HP:0001639.

Submission:

Labcorp Genetics (formerly Invitae), Labcorp
Classification: Uncertain significance for Hypertrophic cardiomyopathy. Last evaluated: 2021-10-28. Review status: criteria provided, single submitter. Criteria: Invitae Variant Classification Sherloc (09022015). Collection method: clinical testing. Allele origin: germline.
Comment: Algorithms developed to predict the effect of missense changes on protein structure and function (SIFT, PolyPhen-2, Align-GVGD) all suggest that this variant is likely to be disruptive. In summary, the available evidence is currently insufficient to determine the role of this variant in disease. Therefore, it has been classified as a Variant of Uncertain Significance. This variant is found within a region of MYH7 between codons 181 and 937 that contains the majority of the myosin head domain. Missense variants in this region have been shown to be significantly overrepresented in individuals with hypertrophic cardiomyopathy (PMID: 27532257). This variant has not been reported in the literature in individuals affected with MYH7-related conditions. This variant is not present in population databases (gnomAD no frequency). This sequence change replaces lysine, which is basic and polar, with asparagine, which is neutral and polar, at codon 884 of the MYH7 protein (p.Lys884Asn).

Literature cited by the submitters: PubMed 27532257.

NM_000257.4(MYH7):c.2652G>C (p.Lys884Asn)

Genes: MYH7 (myosin heavy chain 7; minus strand), LOC126861898 (BRD4-independent group 4 enhancer GRCh37_chr14:23893609-23894808; plus strand). Cytogenetic location: 14q11.2.
Variant type: single nucleotide variant.
Coding change: c.2652G>C on transcript NM_000257.4 (MANE Select); coding-DNA position 2652, G replaced by C.
Protein change: p.Lys884Asn; replaces lysine 884 with asparagine.
Molecular consequence: missense variant.
Genome position (GRCh38, 1-based): chr14:23,424,796, C>G on the plus strand (G>C on the coding strand, the complement: MYH7 is on the minus strand). VCF-style: chr14-23424796-C-G. GRCh37 (hg19) VCF-style: chr14-23894005-C-G.
Other names: short protein forms K884N.
Identifiers: ClinVar variation 1347804 (VCV001347804.6), dbSNP rs2138665406, ClinGen allele CA389047883.